The following is an entry in ClinVar:

NM_152564.5(VPS13B):c.4394A>T (p.His1465Leu)

Gene: VPS13B (vacuolar protein sorting 13 homolog B; plus strand). Cytogenetic location: 8q22.2.
Variant type: single nucleotide variant.
Coding change: c.4394A>T on transcript NM_152564.5 (MANE Select); coding-DNA position 4394, A replaced by T.
Protein change: p.His1465Leu; replaces histidine 1465 with leucine.
Molecular consequence: missense variant.
Genome position (GRCh38, 1-based): chr8:99,511,273, A>T. VCF-style: chr8-99511273-A-T. GRCh37 (hg19) VCF-style: chr8-100523501-A-T.
Other names: c.4469A>T, p.His1490Leu (NM_017890.5); short protein forms H1465L, H1490L.
Identifiers: ClinVar variation 655249 (VCV000655249.8), dbSNP rs1588450228, ClinGen allele CA371871529.

ClinVar aggregate classification (germline): Uncertain significance (1 of 4 stars; one submission).

Conditions:
Cohen syndrome (COH1). Also called: PEPPER SYNDROME; Cutis verticis gyrata, retinitis pigmentosa, and sensorineural deafness. Identifiers: Orphanet 193, MedGen C0265223, MONDO:0008999, OMIM 216550.

Submission:

Labcorp Genetics (formerly Invitae), Labcorp
Classification: Uncertain significance for Cohen syndrome. Last evaluated: 2024-06-01. Review status: criteria provided, single submitter. Criteria: Invitae Variant Classification Sherloc (09022015). Collection method: clinical testing. Allele origin: germline.
Comment: This sequence change replaces histidine, which is basic and polar, with leucine, which is neutral and non-polar, at codon 1490 of the VPS13B protein (p.His1490Leu). This variant is not present in population databases (gnomAD no frequency). This variant has not been reported in the literature in individuals affected with VPS13B-related conditions. ClinVar contains an entry for this variant (Variation ID: 655249). Advanced modeling of protein sequence and biophysical properties (such as structural, functional, and spatial information, amino acid conservation, physicochemical variation, residue mobility, and thermodynamic stability) performed at Invitae indicates that this missense variant is expected to disrupt VPS13B protein function with a positive predictive value of 80%. In summary, the available evidence is currently insufficient to determine the role of this variant in disease. Therefore, it has been classified as a Variant of Uncertain Significance.